The following is an entry in ClinVar:

ClinVar aggregate classification (germline): Uncertain significance. Review status: criteria provided, multiple submitters, no conflicts (2 of 4 stars). 3 submissions from 3 submitters: Uncertain significance (3). Last evaluated 2022-03-29.

Conditions:
Inborn genetic diseases. Identifiers: MedGen C0950123, MeSH D030342.

Allele frequency attached by ClinVar (database versions not stated): gnomAD exomes 0.00001 and 0.00005; ExAC 0.00007; gnomAD 0.00016 and 0.00017; TOPMed 0.00024.
gnomAD v4.1: 40 of 1,614,090 alleles (0.0025%); highest among the groups gnomAD compares: African/African-American, 0.048%; no homozygotes.

Submissions (3):

Labcorp Genetics (formerly Invitae), Labcorp
Classification: Uncertain significance. Last evaluated: 2022-03-29. Review status: criteria provided, single submitter. Criteria: Invitae Variant Classification Sherloc (09022015). Collection method: clinical testing. Allele origin: germline.
Comment: This sequence change replaces isoleucine, which is neutral and non-polar, with methionine, which is neutral and non-polar, at codon 68 of the CENPJ protein (p.Ile68Met). This variant is present in population databases (rs375760447, gnomAD 0.07%). This variant has not been reported in the literature in individuals affected with CENPJ-related conditions. ClinVar contains an entry for this variant (Variation ID: 445833). Algorithms developed to predict the effect of missense changes on protein structure and function (SIFT, PolyPhen-2, Align-GVGD) all suggest that this variant is likely to be tolerated. In summary, the available evidence is currently insufficient to determine the role of this variant in disease. Therefore, it has been classified as a Variant of Uncertain Significance.

Ambry Genetics
Classification: Uncertain significance for Inborn genetic diseases. Last evaluated: 2022-01-03. Review status: criteria provided, single submitter. Criteria: Ambry Variant Classification Scheme 2023. Collection method: clinical testing. Allele origin: germline.

Center for Pediatric Genomic Medicine, Children's Mercy Hospital and Clinics
Classification: Uncertain significance. Last evaluated: 2017-04-28. Review status: criteria provided, single submitter. Criteria: ACMG Guidelines, 2015. Collection method: clinical testing. Allele origin: germline.

NM_018451.5(CPAP):c.204A>G (p.Ile68Met)

Gene: CPAP (centrosome assembly and centriole elongation protein; minus strand). Cytogenetic location: 13q12.13.
Variant type: single nucleotide variant.
Coding change: c.204A>G on transcript NM_018451.5 (MANE Select); coding-DNA position 204, A replaced by G.
Protein change: p.Ile68Met; replaces isoleucine 68 with methionine.
Molecular consequence: missense variant. On other transcripts: non-coding transcript variant (2).
Genome position (GRCh38, 1-based): chr13:24,912,822, T>C on the plus strand (A>G on the coding strand, the complement: CPAP is on the minus strand). VCF-style: chr13-24912822-T-C. GRCh37 (hg19) VCF-style: chr13-25486960-T-C.
Other names: c.204A>G (NM_018451.3); short protein forms I68M.
Identifiers: ClinVar variation 445833 (VCV000445833.5), dbSNP rs375760447, ClinGen allele CA6920057.